The following is an entry in ClinVar:

ClinVar aggregate classification (germline): Conflicting classifications of pathogenicity. Review status: criteria provided, conflicting classifications (1 of 4 stars). 2 submissions from 2 submitters: Likely pathogenic (1); Uncertain significance (1). Last evaluated 2024-03-07.

Conditions:
ADAMTS18-related disorder. Also called: ADAMTS18-related condition.

gnomAD v4.1: 1 of 1,614,162 alleles (0.000062%); highest among the groups gnomAD compares: Non-Finnish European, 0.000085%; no homozygotes.

Submissions (2):

Blueprint Genetics
Classification: Uncertain significance. Last evaluated: 2024-03-07. Review status: criteria provided, single submitter. Criteria: ACMG Guidelines, 2015. Collection method: clinical testing. Allele origin: germline.

PreventionGenetics, part of Exact Sciences
Classification: Likely pathogenic for ADAMTS18-related condition. Last evaluated: 2023-02-10. Review status: criteria provided, single submitter. Criteria: ACMG Guidelines, 2015. Collection method: clinical testing. Allele origin: germline.
Comment: The ADAMTS18 c.262+1G>T variant is predicted to disrupt the GT donor site and interfere with normal splicing. To our knowledge, this variant has not been reported in the literature or in a large population database, indicating this variant is rare. Variants that disrupt the consensus splice donor site in ADAMTS18 are expected to be pathogenic. This variant is interpreted as likely pathogenic.

NM_199355.4(ADAMTS18):c.778+5G>T

Gene: ADAMTS18 (ADAM metallopeptidase with thrombospondin type 1 motif 18; minus strand). Cytogenetic location: 16q23.1.
Variant type: single nucleotide variant.
Coding change: c.778+5G>T on transcript NM_199355.4 (MANE Select); 5 bases into the intron after coding-DNA position 778, G replaced by T.
Molecular consequence: intron variant. On other transcripts: splice donor variant (1).
Genome position (GRCh38, 1-based): chr16:77,367,436, C>A on the plus strand (G>T on the coding strand, the complement: ADAMTS18 is on the minus strand). VCF-style: chr16-77367436-C-A. GRCh37 (hg19) VCF-style: chr16-77401333-C-A.
Other names: c.262+1G>T (NM_001326358.2).
Identifiers: ClinVar variation 2630547 (VCV002630547.2), dbSNP rs777218145, ClinGen allele CA2234438234.